The following is an entry in ClinVar:

NM_153703.5(PODN):c.1060G>T (p.Ala354Ser)

Gene: PODN (podocan; plus strand). Cytogenetic location: 1p32.3.
Variant type: single nucleotide variant.
Coding change: c.1060G>T on transcript NM_153703.5 (MANE Select); coding-DNA position 1060, G replaced by T.
Protein change: p.Ala354Ser; replaces alanine 354 with serine.
Molecular consequence: missense variant.
Genome position (GRCh38, 1-based): chr1:53,078,570, G>T. VCF-style: chr1-53078570-G-T. GRCh37 (hg19) VCF-style: chr1-53544242-G-T.
Other names: c.1060G>T, p.Ala354Ser (NM_001199080.4, NM_001199081.3); short protein forms A354S.
Identifiers: ClinVar variation 161564 (VCV000161564.2), dbSNP rs193920794, ClinGen allele CA174352.

ClinVar aggregate classification (germline): Uncertain significance (0 of 4 stars; one submission).

Conditions:
Prostate cancer. Also called: Malignant tumor of prostate. Identifiers: Orphanet 1331, MedGen C0376358, MONDO:0008315, HP:0012125.

Submission:

Science for Life laboratory,  Karolinska Institutet
Classification: Uncertain significance for Malignant tumor of prostate. Review status: no assertion criteria provided. Collection method: not provided. Allele origin: somatic.
Comment: TumorID:SWE-11
ClinVar note: Converted during submission from Unknown to Uncertain significance.